The following is an entry in ClinVar:

ClinVar aggregate classification (germline): Uncertain significance (1 of 4 stars; one submission).

Conditions:
Breast-ovarian cancer, familial, susceptibility to, 2 (BROVCA2). Also called: BRCA2 Hereditary Breast and Ovarian Cancer. Identifiers: Orphanet 145, MedGen C2675520, MONDO:0012933, OMIM 612555. Disease mechanism: loss of function.

Submission:

All of Us Research Program, National Institutes of Health
Classification: Uncertain significance for Breast-ovarian cancer, familial, susceptibility to, 2. Last evaluated: 2023-06-26. Review status: criteria provided, single submitter. Criteria: ACMG Guidelines, 2015. Collection method: clinical testing. Allele origin: germline. Inheritance: Autosomal dominant inheritance. Observed: 1 variant allele, 1 heterozygote.
Comment: This missense variant replaces leucine with valine at codon 769 of the BRCA2 protein. Computational prediction suggests that this variant may not impact protein structure and function (internally defined REVEL score threshold <= 0.5, PMID: 27666373). To our knowledge, functional studies have not been reported for this variant. This variant has not been reported in individuals affected with BRCA2-related disorders in the literature. This variant has not been identified in the general population by the Genome Aggregation Database (gnomAD). The available evidence is insufficient to determine the role of this variant in disease conclusively. Therefore, this variant is classified as a Variant of Uncertain Significance.

This study involves interpretation of variants in research participants for the purpose of population health screening. Participant phenotype was not available at the time of variant classification. Additional details can be found in publication PMID: 35346344, PMCID: PMC8962531

NM_000059.4(BRCA2):c.2305C>G (p.Leu769Val)

Gene: BRCA2 (BRCA2 DNA repair associated; plus strand). Cytogenetic location: 13q13.1.
Variant type: single nucleotide variant.
Coding change: c.2305C>G on transcript NM_000059.4 (MANE Select); coding-DNA position 2305, C replaced by G.
Protein change: p.Leu769Val; replaces leucine 769 with valine.
Molecular consequence: missense variant. On other transcripts: non-coding transcript variant (1), intron variant (2).
Genome position (GRCh38, 1-based): chr13:32,336,660, C>G. VCF-style: chr13-32336660-C-G. GRCh37 (hg19) VCF-style: chr13-32910797-C-G.
Other names: c.2305C>G, p.Leu769Val (NM_001406719.1, NM_001406720.1); c.1909+3273C>G (NM_001406721.1); c.424+5630C>G (NM_001406722.1); short protein forms L769V.
Identifiers: ClinVar variation 3072032 (VCV003072032.1), dbSNP rs2072454785, ClinGen allele CA387771349.